The following is an entry in ClinVar:

ClinVar aggregate classification (germline): Conflicting classifications of pathogenicity. Review status: criteria provided, conflicting classifications (1 of 4 stars). 5 submissions from 5 submitters: Pathogenic (1); Likely pathogenic (1); Uncertain significance (2); Likely benign (1). Last evaluated 2026-06-19.

Conditions:
OTOG-related disorder. Also called: OTOG-related condition.
Autosomal recessive nonsyndromic hearing loss 18B. Also called: Deafness, autosomal recessive 18b. Identifiers: Orphanet 90636, MedGen C3554163, MONDO:0013985, OMIM 614945.

Allele frequency attached by ClinVar (database versions not stated): gnomAD exomes 0.00005 and 0.00013; TOPMed 0.00009; gnomAD 0.00012; ExAC 0.00028.
gnomAD v4.1: 84 of 1,550,286 alleles (0.0054%); highest among the groups gnomAD compares: Non-Finnish European, 0.00061%; no homozygotes.

Submissions (5):

PreventionGenetics, part of Exact Sciences
Classification: Uncertain significance for OTOG-related condition. Last evaluated: 2026-06-19. Review status: criteria provided, single submitter. Criteria: ACMG Guidelines, 2015. Collection method: clinical testing. Allele origin: germline.
Comment: The OTOG c.2116+5G>C variant is predicted to interfere with splicing. To our knowledge, this variant has not been reported in the literature. This variant is reported in 0.22% of alleles in individuals of Ashkenazi Jewish descent in gnomAD. Although we suspect that this variant may be pathogenic, at this time, the clinical significance of this variant is uncertain due to the absence of conclusive functional and genetic evidence.

GeneDx
Classification: Pathogenic. Last evaluated: 2026-02-25. Review status: criteria provided, single submitter. Criteria: GeneDx Variant Classification Process June 2021. Collection method: clinical testing. Allele origin: germline. Affected: yes.
Comment: Intronic variant directly or indirectly altering the +5 splice site in a gene for which loss of function is a known mechanism of disease, and splice predictors support a deleterious effect; Has not been previously published as pathogenic or benign to our knowledge

Laboratory of Prof. Karen Avraham, Tel Aviv University
Classification: Likely pathogenic for Autosomal recessive nonsyndromic hearing loss 18B. Last evaluated: 2026-01-12. Review status: criteria provided, single submitter. Criteria: ACMG Guidelines, 2015. Collection method: research. Allele origin: germline. Inheritance: Autosomal recessive inheritance. Affected: yes. Observed: 1 compound heterozygote.
Comment: The OTOG c.2116+5G>C splice variant, predicted deleterious, was detected in compound heterozygosity with a frameshift variant c.916del, p.(Asp306Thrfs*80).

Labcorp Genetics (formerly Invitae), Labcorp
Classification: Likely benign. Last evaluated: 2025-11-22. Review status: criteria provided, single submitter. Criteria: Invitae Variant Classification Sherloc (09022015). Collection method: clinical testing. Allele origin: germline.

Laboratory for Molecular Medicine, Mass General Brigham Personalized Medicine
Classification: Uncertain significance. Last evaluated: 2019-12-23. Review status: criteria provided, single submitter. Criteria: LMM Criteria. Collection method: clinical testing. Allele origin: germline. Observed: 2 variant alleles.
Comment: Variant classified as Uncertain Significance - Favor Pathogenic. It has also been identified in 0.2% (19/8650) of Ashkenazi Jewish chromosomes by gnomAD. This variant is located in the 5' splice region. Computational tools suggest a possible splicing impact, though this information is not predictive enough to determine pathogenicity. In summary, while there is some suspicion for a pathogenic role, due to the high allele frequency, the clinical significance of this variant is uncertain. ACMG/AMP Criteria applied: PM3, PP3, BS1_Supporting.

NM_001292063.2(OTOG):c.2080+5G>C

Gene: OTOG (otogelin; plus strand). Cytogenetic location: 11p15.1.
Variant type: single nucleotide variant.
Coding change: c.2080+5G>C on transcript NM_001292063.2 (MANE Select); 5 bases into the intron after coding-DNA position 2080, G replaced by C.
Molecular consequence: intron variant.
Genome position (GRCh38, 1-based): chr11:17,572,209, G>C. VCF-style: chr11-17572209-G-C. GRCh37 (hg19) VCF-style: chr11-17593756-G-C.
Other names: c.2116+5G>C (NM_001277269.2, NM_001277269.1).
Identifiers: ClinVar variation 930157 (VCV000930157.13), dbSNP rs765790706, ClinGen allele CA5905570.